The following is an entry in ClinVar:

ClinVar aggregate classification (germline): Benign. Review status: criteria provided, multiple submitters, no conflicts (2 of 4 stars). 2 submissions from 2 submitters: Benign (2). Last evaluated 2018-06-14.

Allele frequency attached by ClinVar (database versions not stated): gnomAD exomes 0.18477 and 0.22850; ESP Exome Variant Server 0.19543; gnomAD 0.21182 and 0.21761; TOPMed 0.22223; ExAC 0.22492; 1000 Genomes Project 30x 0.31730; 1000 Genomes Project 0.32348.
gnomAD v4.1: 290,424 of 1,536,666 alleles (19%); highest among the groups gnomAD compares: East Asian, 62%; 33,258 homozygotes.

Submissions (2):

GeneDx
Classification: Benign. Last evaluated: 2018-06-14. Review status: criteria provided, single submitter. Criteria: GeneDx Variant Classification (06012015). Collection method: clinical testing. Allele origin: germline. Affected: yes.
Comment: This variant is considered likely benign or benign based on one or more of the following criteria: it is a conservative change, it occurs at a poorly conserved position in the protein, it is predicted to be benign by multiple in silico algorithms, and/or has population frequency not consistent with disease.

Breakthrough Genomics
Classification: Benign. Review status: criteria provided, single submitter. Criteria: ACMG Guidelines, 2015. Collection method: not provided. Allele origin: germline. Inheritance: Autosomal recessive inheritance. Affected: yes.

NM_001267550.2(TTN):c.91853-37G>T

Genes: TTN (titin; minus strand), TTN-AS1 (TTN antisense RNA 1; plus strand). Cytogenetic location: 2q31.2.
Variant type: single nucleotide variant.
Coding change: c.91853-37G>T on transcript NM_001267550.2 (MANE Select); 37 bases into the intron before coding-DNA position 91853, G replaced by T.
Molecular consequence: intron variant.
Genome position (GRCh38, 1-based): chr2:178,549,906, C>A on the plus strand (G>T on the coding strand, the complement: TTN is on the minus strand). VCF-style: chr2-178549906-C-A. GRCh37 (hg19) VCF-style: chr2-179414633-C-A.
Other names: c.64658-37G>T (NM_003319.4); c.65234-37G>T (NM_133437.4); c.65033-37G>T (NM_133432.3); c.84149-37G>T (NM_133378.4); c.86930-37G>T (NM_001256850.1).
Identifiers: ClinVar variation 671418 (VCV000671418.2), dbSNP rs890578, ClinGen allele CA1987548.